The following is an entry in ClinVar:

NC_000002.11:g.(?_223084839)_(223097022_?)del

Gene: PAX3 (paired box 3; minus strand). Cytogenetic location: 2q36.1.
Variant type: Deletion.
Identifiers: ClinVar variation 1454650 (VCV001454650.6).

ClinVar aggregate classification (germline): Pathogenic (1 of 4 stars; one submission).

Submission:

Labcorp Genetics (formerly Invitae), Labcorp
Classification: Pathogenic. Last evaluated: 2021-01-28. Review status: criteria provided, single submitter. Criteria: Invitae Variant Classification Sherloc (09022015). Collection method: clinical testing. Allele origin: germline.
Comment: For these reasons, this variant has been classified as Pathogenic. The region of the PAX3 gene that includes exon(s) 7 has been determined to be clinically significant (PMID: 23512835, 29407415, Invitae). Therefore, deletions that encompass that region are likely to disrupt protein function and cause disease. This variant has not been reported in the literature in individuals with PAX3-related conditions. This variant is a gross deletion of the genomic region encompassing exon(s) 5-7 of the PAX3 gene. While this deletion is not anticipated to lead to nonsense mediated decay, it is expected to disrupt the C-terminus of the protein.

Literature cited by the submitters: PubMed 23512835; PubMed 29407415.